The following is an entry in ClinVar:

NM_004990.4(MARS1):c.2213C>T (p.Ala738Val)

Gene: MARS1 (methionyl-tRNA synthetase 1; plus strand). Cytogenetic location: 12q13.3.
Variant type: single nucleotide variant.
Coding change: c.2213C>T on transcript NM_004990.4 (MANE Select); coding-DNA position 2213, C replaced by T.
Protein change: p.Ala738Val; replaces alanine 738 with valine.
Molecular consequence: missense variant.
Genome position (GRCh38, 1-based): chr12:57,515,158, C>T. VCF-style: chr12-57515158-C-T. GRCh37 (hg19) VCF-style: chr12-57908941-C-T.
Other names: short protein forms A738V.
Identifiers: ClinVar variation 4794663 (VCV004794663.1).

ClinVar aggregate classification (germline): Uncertain significance (1 of 4 stars; one submission).

Conditions:
Charcot-Marie-Tooth disease axonal type 2U. Also called: CHARCOT-MARIE-TOOTH NEUROPATHY, TYPE 2U; CHARCOT-MARIE-TOOTH DISEASE, AXONAL, AUTOSOMAL DOMINANT, TYPE 2U. Identifiers: Orphanet 397735, MedGen C4084821, MONDO:0014566, OMIM 616280.
Severe early-onset pulmonary alveolar proteinosis due to MARS deficiency. Also called: PULMONARY ALVEOLAR PROTEINOSIS, REUNION ISLAND; Interstitial lung and liver disease. Identifiers: Orphanet 440427, MedGen C4225400, MONDO:0014206, OMIM 615486.

gnomAD v4.1: 3 of 1,614,106 alleles (0.00019%); highest among the groups gnomAD compares: Non-Finnish European, 0.00025%; no homozygotes.

Submission:

Labcorp Genetics (formerly Invitae), Labcorp
Classification: Uncertain significance for Charcot-Marie-Tooth disease axonal type 2U; Severe early-onset pulmonary alveolar proteinosis due to MARS deficiency. Last evaluated: 2025-02-15. Review status: criteria provided, single submitter. Criteria: Invitae Variant Classification Sherloc (09022015). Collection method: clinical testing. Allele origin: germline.
Comment: This sequence change replaces alanine, which is neutral and non-polar, with valine, which is neutral and non-polar, at codon 738 of the MARS protein (p.Ala738Val). This variant is not present in population databases (gnomAD no frequency). This variant has not been reported in the literature in individuals affected with MARS-related conditions. An algorithm developed to predict the effect of missense changes on protein structure and function (PolyPhen-2) suggests that this variant is likely to be disruptive. In summary, the available evidence is currently insufficient to determine the role of this variant in disease. Therefore, it has been classified as a Variant of Uncertain Significance.